The following is an entry in ClinVar:

ClinVar aggregate classification (germline): Uncertain significance. Review status: criteria provided, multiple submitters, no conflicts (2 of 4 stars). 3 submissions from 3 submitters: Uncertain significance (3). Last evaluated 2023-08-28.

Conditions:
Chromosome 2q32-q33 deletion syndrome (GLASS). Also called: Glass syndrome; 2q33.1 deletion syndrome. Identifiers: Orphanet 251019, MedGen C2676739, MONDO:0012864, OMIM 612313.
SATB2-related disorder. Also called: SATB2-related condition.

Allele frequency attached by ClinVar (database versions not stated): gnomAD exomes below 0.00001.
gnomAD v4.1: 2 of 1,613,390 alleles (0.00012%); highest among the groups gnomAD compares: South Asian, 0.0022%; no homozygotes.

Submissions (3):

Blueprint Genetics
Classification: Uncertain significance. Last evaluated: 2023-08-28. Review status: criteria provided, single submitter. Criteria: ACMG Guidelines, 2015. Collection method: clinical testing. Allele origin: germline.

PreventionGenetics, part of Exact Sciences
Classification: Uncertain significance for SATB2-related condition. Last evaluated: 2022-08-26. Review status: criteria provided, single submitter. Criteria: ACMG Guidelines, 2015. Collection method: clinical testing. Allele origin: germline.
Comment: The SATB2 c.1741G>A variant is predicted to result in the amino acid substitution p.Val581Ile. To our knowledge, this variant has not been reported in the literature or in a large population database, indicating this variant is rare. At this time, the clinical significance of this variant is uncertain due to the absence of conclusive functional and genetic evidence.

Labcorp Genetics (formerly Invitae), Labcorp
Classification: Uncertain significance for Chromosome 2q32-q33 deletion syndrome. Last evaluated: 2022-07-25. Review status: criteria provided, single submitter. Criteria: Invitae Variant Classification Sherloc (09022015). Collection method: clinical testing. Allele origin: germline.
Comment: This sequence change replaces valine, which is neutral and non-polar, with isoleucine, which is neutral and non-polar, at codon 581 of the SATB2 protein (p.Val581Ile). This variant is not present in population databases (gnomAD no frequency). This variant has not been reported in the literature in individuals affected with SATB2-related conditions. Algorithms developed to predict the effect of missense changes on protein structure and function (SIFT, PolyPhen-2, Align-GVGD) all suggest that this variant is likely to be tolerated. In summary, the available evidence is currently insufficient to determine the role of this variant in disease. Therefore, it has been classified as a Variant of Uncertain Significance.

NM_001172509.2(SATB2):c.1741G>A (p.Val581Ile)

Genes: SATB2 (SATB homeobox 2; minus strand), LOC126806462 (MED14-independent group 3 enhancer GRCh37_chr2:200136608-200137807; plus strand). Cytogenetic location: 2q33.1.
Variant type: single nucleotide variant.
Coding change: c.1741G>A on transcript NM_001172509.2 (MANE Select); coding-DNA position 1741, G replaced by A.
Protein change: p.Val581Ile; replaces valine 581 with isoleucine.
Molecular consequence: missense variant.
Genome position (GRCh38, 1-based): chr2:199,272,672, C>T on the plus strand (G>A on the coding strand, the complement: SATB2 is on the minus strand). VCF-style: chr2-199272672-C-T. GRCh37 (hg19) VCF-style: chr2-200137395-C-T.
Other names: c.1741G>A, p.Val581Ile (NM_001172517.1, NM_015265.4); c.1741G>A (NM_015265.3); short protein forms V581I.
Identifiers: ClinVar variation 2085751 (VCV002085751.6), dbSNP rs1692196446, ClinGen allele CA350386111.